The following is an entry in ClinVar:

NM_001371904.1(APOA5):c.280C>T (p.Arg94Trp)

Gene: APOA5 (apolipoprotein A5; minus strand). Cytogenetic location: 11q23.3.
Variant type: single nucleotide variant.
Coding change: c.280C>T on transcript NM_001371904.1 (MANE Select); coding-DNA position 280, C replaced by T.
Protein change: p.Arg94Trp; replaces arginine 94 with tryptophan.
Molecular consequence: missense variant.
Genome position (GRCh38, 1-based): chr11:116,790,949, G>A on the plus strand (C>T on the coding strand, the complement: APOA5 is on the minus strand). VCF-style: chr11-116790949-G-A. GRCh37 (hg19) VCF-style: chr11-116661665-G-A.
Other names: c.280C>T, p.Arg94Trp (NM_001166598.2, NM_052968.5); short protein forms R94W.
Identifiers: ClinVar variation 1810086 (VCV001810086.8), dbSNP rs201686049, ClinGen allele CA6289104.
Genomic context (GRCh38, chr11:116,790,949, plus strand): 5'-CCTCTGCCATGTAGGGCTGGAGGCGAGCCTTCACCTCCTCCAACTCCTCCTGCAGCTGCC[G>A]CCGCATGCCCACCGGGTCCTGTGGGAGCCGAGGAGCCTCGCTCCCACTCAGAGGCCTCAG-3'
Protein context (NP_001358833.1, residues 84-104): RLPQDPVGMR[Arg94Trp]QLQEELEEVK

ClinVar aggregate classification (germline): Uncertain significance. Review status: criteria provided, multiple submitters, no conflicts (2 of 4 stars). 4 submissions from 4 submitters: Uncertain significance (4). Last evaluated 2026-08-12.

Conditions:
APOA5-related disorder. Also called: APOA5-related condition.
Cardiovascular phenotype. Identifiers: MedGen CN230736.

Allele frequency attached by ClinVar (database versions not stated): gnomAD exomes 0.00012; TOPMed 0.00011; ESP Exome Variant Server 0.00031; gnomAD 0.00010; ExAC 0.00007.

Submissions (4):

Ambry Genetics
Classification: Uncertain significance for Cardiovascular phenotype. Last evaluated: 2026-08-12. Review status: criteria provided, single submitter. Criteria: Ambry Variant Classification Scheme 2023. Collection method: clinical testing. Allele origin: germline.
Comment: The p.R94W variant (also known as c.280C>T), located in coding exon 3 of the APOA5 gene, results from a C to T substitution at nucleotide position 280. The arginine at codon 94 is replaced by tryptophan, an amino acid with dissimilar properties. This variant was reported in individual(s) with features consistent with myocardial infarction (Do R et al. Nature, 2015 Feb;518:102-6). This amino acid position is not well conserved in available vertebrate species. In addition, this alteration is predicted to be tolerated by in silico analysis. Based on the available evidence, the clinical significance of this variant remains unclear.

Labcorp Genetics (formerly Invitae), Labcorp
Classification: Uncertain significance. Last evaluated: 2025-06-24. Review status: criteria provided, single submitter. Criteria: Invitae Variant Classification Sherloc (09022015). Collection method: clinical testing. Allele origin: germline.
Comment: This sequence change replaces arginine, which is basic and polar, with tryptophan, which is neutral and slightly polar, at codon 94 of the APOA5 protein (p.Arg94Trp). This variant is present in population databases (rs201686049, gnomAD 0.01%). This missense change has been observed in individual(s) with APOA5-related conditions (PMID: 36325899). ClinVar contains an entry for this variant (Variation ID: 1810086). An algorithm developed to predict the effect of missense changes on protein structure and function (PolyPhen-2) suggests that this variant is likely to be disruptive. In summary, the available evidence is currently insufficient to determine the role of this variant in disease. Therefore, it has been classified as a Variant of Uncertain Significance.

PreventionGenetics, part of Exact Sciences
Classification: Uncertain significance for APOA5-related condition. Last evaluated: 2025-01-03. Review status: criteria provided, single submitter. Criteria: ACMG Guidelines, 2015. Collection method: clinical testing. Allele origin: germline.
Comment: The APOA5 c.280C>T variant is predicted to result in the amino acid substitution p.Arg94Trp. This variant has been reported in a cohort of individuals with myocardial infarction (Supplementary Table 10, Do et al. 2015. PubMed ID: 25487149) or hypertriglyceridemia (Supplementary Table 2, Deshotels et al. 2022. PubMed ID: 36325899). This variant is reported in 0.0079% of alleles in individuals of European (Non-Finnish) descent in gnomAD. At this time, the clinical significance of this variant is uncertain due to the absence of conclusive functional and genetic evidence.

GeneDx
Classification: Uncertain significance. Last evaluated: 2022-07-01. Review status: criteria provided, single submitter. Criteria: GeneDx Variant Classification Process June 2021. Collection method: clinical testing. Allele origin: germline. Affected: yes.
Comment: Reported in individuals with early-onset myocardial infarction and in control individuals (Do et al., 2015); In silico analysis supports that this missense variant has a deleterious effect on protein structure/function; This variant is associated with the following publications: (PMID: 25487149)

Literature cited by the submitters: PubMed 25487149 (cited by Ambry Genetics); PubMed 36325899 (cited by Labcorp Genetics (formerly Invitae), Labcorp).